The following is an entry in ClinVar:

NM_152783.5(D2HGDH):c.1139A>G (p.Lys380Arg)

Gene: D2HGDH (D-2-hydroxyglutarate dehydrogenase; plus strand). Cytogenetic location: 2q37.3.
Variant type: single nucleotide variant.
Coding change: c.1139A>G on transcript NM_152783.5 (MANE Select); coding-DNA position 1139, A replaced by G.
Protein change: p.Lys380Arg; replaces lysine 380 with arginine.
Molecular consequence: missense variant.
Genome position (GRCh38, 1-based): chr2:241,751,387, A>G. VCF-style: chr2-241751387-A-G. GRCh37 (hg19) VCF-style: chr2-242690802-A-G.
Other names: c.737A>G, p.Lys246Arg (NM_001287249.2); c.578A>G, p.Lys193Arg (NM_001352824.2); short protein forms K193R, K246R, K380R.
Identifiers: ClinVar variation 4085421 (VCV004085421.8).
Genomic context (GRCh38, chr2:241,751,387, plus strand): 5'-ACGCGCTGGGCTCCGGCCTGGTGACCGATGGGACCATGGCCACCGACCAGAGGAAAGTCA[A>G]GGTGCCCTGTGTCCTGCTTGCAGGTCCCCGCTCTCTGTCCGTCCAGTCCAGCCTTGTCTT-3'
Protein context (NP_689996.4, residues 370-390): GTMATDQRKV[Lys380Arg]MLWALRERIT

ClinVar aggregate classification (germline): Likely pathogenic (1 of 4 stars; one submission).

gnomAD v4.1: 5 of 1,613,258 alleles (0.00031%); highest among the groups gnomAD compares: South Asian, 0.0011%; no homozygotes.

Submission:

CeGaT Center for Human Genetics Tuebingen
Classification: Likely pathogenic. Last evaluated: 2025-07-01. Review status: criteria provided, single submitter. Criteria: CeGaT Center For Human Genetics Tuebingen Variant Classification Criteria Version 2. Collection method: clinical testing. Allele origin: germline. Affected: yes. Observed: 1 variant allele.
Comment: D2HGDH: PM2, PM3, PP3, PP4